The following is an entry in ClinVar:

ClinVar aggregate classification (germline): Uncertain significance (1 of 4 stars; one submission).

Submission:

GeneDx
Classification: Uncertain significance. Last evaluated: 2025-01-24. Review status: criteria provided, single submitter. Criteria: GeneDx Variant Classification Process June 2021. Collection method: clinical testing. Allele origin: germline. Affected: yes.
Comment: Not observed at significant frequency in large population cohorts (gnomAD); In silico analysis supports that this missense variant has a deleterious effect on protein structure/function; Has not been previously published as pathogenic or benign to our knowledge

NM_004076.5(CRYBB3):c.247A>G (p.Lys83Glu)

Gene: CRYBB3 (crystallin beta B3; plus strand). Cytogenetic location: 22q11.23.
Variant type: single nucleotide variant.
Coding change: c.247A>G on transcript NM_004076.5 (MANE Select); coding-DNA position 247, A replaced by G.
Protein change: p.Lys83Glu; replaces lysine 83 with glutamic acid.
Molecular consequence: missense variant.
Genome position (GRCh38, 1-based): chr22:25,203,815, A>G. VCF-style: chr22-25203815-A-G. GRCh37 (hg19) VCF-style: chr22-25599782-A-G.
Other names: short protein forms K83E.
Identifiers: ClinVar variation 4072535 (VCV004072535.1).